The following is an entry in ClinVar:

NM_024577.4(SH3TC2):c.238G>A (p.Ala80Thr)

Gene: SH3TC2 (SH3 domain and tetratricopeptide repeats 2; minus strand). Cytogenetic location: 5q32.
Variant type: single nucleotide variant.
Coding change: c.238G>A on transcript NM_024577.4 (MANE Select); coding-DNA position 238, G replaced by A.
Protein change: p.Ala80Thr; replaces alanine 80 with threonine.
Molecular consequence: missense variant.
Genome position (GRCh38, 1-based): chr5:149,047,903, C>T on the plus strand (G>A on the coding strand, the complement: SH3TC2 is on the minus strand). VCF-style: chr5-149047903-C-T. GRCh37 (hg19) VCF-style: chr5-148427466-C-T.
Other names: p.Ala80Thr; short protein forms A80T.
Identifiers: ClinVar variation 287306 (VCV000287306.36), dbSNP rs112507765, ClinGen allele CA3499590.

ClinVar aggregate classification (germline): Benign/Likely benign. Review status: criteria provided, multiple submitters, no conflicts (2 of 4 stars). 13 submissions from 12 submitters: Benign (2); Likely benign (11). Last evaluated 2026-04-22.

Conditions:
SH3TC2-related disorder. Also called: SH3TC2-related condition; SH3TC2-related disorders. Identifiers: MedGen CN239303.
Charcot-Marie-Tooth disease. Also called: Charcot-Marie-Tooth Hereditary Neuropathy; Charcot-Marie-Tooth Neuropathy. Identifiers: Orphanet 166, MedGen C0007959, MONDO:0015626.
Charcot-Marie-Tooth disease type 4C (CMT4C). Also called: CHARCOT-MARIE-TOOTH DISEASE, DEMYELINATING, TYPE 4C; SH3TC2-Related Hereditary Motor and Sensory Neuropathy; CHARCOT-MARIE-TOOTH DISEASE, DEMYELINATING, AUTOSOMAL RECESSIVE, TYPE 4C; CMT 4C; Charcot-Marie-Tooth Neuropathy Type 4C (CMT4C). Identifiers: Orphanet 99949, MedGen C1866636, MONDO:0011113, OMIM 601596.
Susceptibility to mononeuropathy of the median nerve, mild. Also called: CARPAL TUNNEL SYNDROME, SUSCEPTIBILITY TO. Identifiers: MedGen C3150596, MONDO:0013237, OMIM 613353.
Inborn genetic diseases. Identifiers: MedGen C0950123, MeSH D030342.
Charcot-Marie-Tooth disease type 4. Also called: Charcot-Marie-Tooth disease, type IV; Charcot-Marie-Tooth, Type 4. Identifiers: Orphanet 64749, MedGen C4082197, MONDO:0018995.

Allele frequency attached by ClinVar (database versions not stated): ESP Exome Variant Server 0.00246; gnomAD 0.00275 and 0.00297; TOPMed 0.00307; 1000 Genomes Project 30x 0.00328; 1000 Genomes Project 0.00359; gnomAD exomes 0.00067; ExAC 0.00087.

Submissions (13):

PreventionGenetics, part of Exact Sciences
Classification: Benign for SH3TC2-related condition. Last evaluated: 2026-04-22. Review status: criteria provided, single submitter. Criteria: ACMG Guidelines, 2015. Collection method: clinical testing. Allele origin: germline.
Comment: This variant is classified as benign based on ACMG/AMP sequence variant interpretation guidelines (Richards et al. 2015 PMID: 25741868, with internal and published modifications).

Labcorp Genetics (formerly Invitae), Labcorp
Classification: Likely benign for Charcot-Marie-Tooth disease type 4. Last evaluated: 2026-01-24. Review status: criteria provided, single submitter. Criteria: Invitae Variant Classification Sherloc (09022015). Collection method: clinical testing. Allele origin: germline.

Mayo Clinic Laboratories, Mayo Clinic
Classification: Likely benign. Last evaluated: 2025-05-23. Review status: criteria provided, single submitter. Criteria: ACMG Guidelines, 2015. Collection method: clinical testing. Allele origin: germline. Observed: 3 variant alleles.
Comment: BS1, BP4_moderate

Athena Diagnostics
Classification: Likely benign. Last evaluated: 2025-05-07. Review status: criteria provided, single submitter. Criteria: Athena Diagnostics Criteria. Collection method: clinical testing. Allele origin: unknown.
Comment: The frequency of this variant in the general population is higher than would generally be expected for pathogenic variants in this gene. Computational tools predict this amino acid change may be benign.

Blueprint Genetics
Classification: Likely benign. Last evaluated: 2024-09-12. Review status: criteria provided, single submitter. Criteria: ACMG Guidelines, 2015. Collection method: clinical testing. Allele origin: germline.

ARUP Laboratories, Molecular Genetics and Genomics, ARUP Laboratories
Classification: Likely benign. Last evaluated: 2022-04-06. Review status: criteria provided, single submitter. Criteria: ARUP Molecular Germline Variant Investigation Process 2021. Collection method: clinical testing. Allele origin: germline.

GeneDx
Classification: Likely benign. Last evaluated: 2020-03-11. Review status: criteria provided, single submitter. Criteria: GeneDx Variant Classification Process June 2021. Collection method: clinical testing. Allele origin: germline. Affected: yes.

Ambry Genetics
Classification: Likely benign for Inborn genetic diseases. Last evaluated: 2019-11-28. Review status: criteria provided, single submitter. Criteria: Ambry Variant Classification Scheme 2023. Collection method: clinical testing. Allele origin: germline.

Illumina Laboratory Services, Illumina
Classification: Likely benign for Charcot-Marie-Tooth disease type 4C. Last evaluated: 2018-01-12. Review status: criteria provided, single submitter. Criteria: ICSL Variant Classification Criteria 13 December 2019. Collection method: clinical testing. Allele origin: germline.
Comment: This variant was observed in the ICSL laboratory as part of a predisposition screen in an ostensibly healthy population. It had not been previously curated by ICSL or reported in the Human Gene Mutation Database (HGMD: prior to June 1st, 2018), and was therefore a candidate for classification through an automated scoring system. Utilizing variant allele frequency, disease prevalence and penetrance estimates, and inheritance mode, an automated score was calculated to assess if this variant is too frequent to cause the disease. Based on the score and internal cut-off values, a variant classified as likely benign is not then subjected to further curation. The score for this variant resulted in a classification of likely benign for this disease.

Illumina Laboratory Services, Illumina
Classification: Likely benign for Susceptibility to mononeuropathy of the median nerve, mild. Last evaluated: 2018-01-12. Review status: criteria provided, single submitter. Criteria: ICSL Variant Classification Criteria 13 December 2019. Collection method: clinical testing. Allele origin: germline.
Comment: the same text as in the submission from Illumina Laboratory Services, Illumina above.

Eurofins Ntd Llc (ga)
Classification: Benign. Last evaluated: 2016-05-13. Review status: criteria provided, single submitter. Criteria: EGL Classification Definitions 2015. Collection method: clinical testing. Allele origin: germline. Observed: 1 variant allele, 1 heterozygote.

Breakthrough Genomics
Classification: Likely benign. Review status: criteria provided, single submitter. Criteria: ACMG Guidelines, 2015. Collection method: not provided. Allele origin: germline. Inheritance: Autosomal recessive inheritance. Affected: yes.

Molecular Genetics Laboratory, London Health Sciences Centre
Classification: Likely benign for Charcot-Marie-Tooth disease. Review status: criteria provided, single submitter. Criteria: ACMG Guidelines, 2015. Collection method: clinical testing. Allele origin: germline. Affected: yes.

Literature cited by the submitters: PubMed 25614874 (cited by Athena Diagnostics).